The following is an entry in ClinVar:

NM_000143.4(FH):c.388G>A (p.Gly130Ser)

Gene: FH (fumarate hydratase; minus strand). Cytogenetic location: 1q43.
Variant type: single nucleotide variant.
Coding change: c.388G>A on transcript NM_000143.4 (MANE Select); coding-DNA position 388, G replaced by A.
Protein change: p.Gly130Ser; replaces glycine 130 with serine.
Molecular consequence: missense variant.
Genome position (GRCh38, 1-based): chr1:241,512,134, C>T on the plus strand (G>A on the coding strand, the complement: FH is on the minus strand). VCF-style: chr1-241512134-C-T. GRCh37 (hg19) VCF-style: chr1-241675434-C-T.
Other names: short protein forms G130S.
Identifiers: ClinVar variation 5021722 (VCV005021722.1).

ClinVar aggregate classification (germline): Uncertain significance (1 of 4 stars; one submission).

Conditions:
Hereditary cancer-predisposing syndrome. Also called: Neoplastic Syndromes, Hereditary; Tumor predisposition; Hereditary neoplastic syndrome; Hereditary Cancer Syndrome. Identifiers: Orphanet 140162, MedGen C0027672, MeSH D009386, MONDO:0015356.

Submission:

Ambry Genetics
Classification: Uncertain significance for Hereditary cancer-predisposing syndrome. Last evaluated: 2026-07-06. Review status: criteria provided, single submitter. Criteria: Ambry Variant Classification Scheme 2023. Collection method: clinical testing. Allele origin: germline.
Comment: The p.G130S variant (also known as c.388G>A), located in coding exon 4 of the FH gene, results from a G to A substitution at nucleotide position 388. The glycine at codon 130 is replaced by serine, an amino acid with similar properties. This amino acid position is conserved. In addition, this alteration is predicted to be deleterious by in silico analysis. Based on the available evidence, the clinical significance of this variant remains unclear.